The following is an entry in ClinVar:

ClinVar aggregate classification (germline): Uncertain significance (1 of 4 stars; one submission).

Conditions:
Primary ciliary dyskinesia. Also called: Ciliary dyskinesia. Identifiers: Orphanet 244, MedGen C0008780, MONDO:0016575, HP:0012265.

Submission:

Labcorp Genetics (formerly Invitae), Labcorp
Classification: Uncertain significance for Primary ciliary dyskinesia. Last evaluated: 2017-01-06. Review status: criteria provided, single submitter. Criteria: Invitae Variant Classification Sherloc (09022015). Collection method: clinical testing. Allele origin: germline.
Comment: A gross duplication of the genomic region encompassing the full coding sequence of the DNAI2 gene has been identified. The boundaries of this event are unknown as the duplication extends beyond the assayed region for this gene and therefore may encompass additional genes. As the precise location of this duplication is unknown, it may be in tandem or it may be located elsewhere in the genome. This variant has not been reported in the literature in individuals with a DNAI2-related disease. In summary, the genomic location of this duplication is unknown and the impact of this variant on DNA12 protein function has not been established. Therefore, it has been classified as a Variant of Uncertain Significance.

NC_000017.10:g.(?_72277946)_(72310410_?)dup

Gene: DNAI2 (dynein axonemal intermediate chain 2; plus strand). Cytogenetic location: 17q25.1.
Variant type: Duplication.
Identifiers: ClinVar variation 417453 (VCV000417453.1).